The following is an entry in ClinVar:

ClinVar aggregate classification (germline): Uncertain significance (1 of 4 stars; one submission).

Allele frequency attached by ClinVar (database versions not stated): gnomAD exomes below 0.00001.
gnomAD v4.1: 5 of 1,582,956 alleles (0.00032%); highest among the groups gnomAD compares: Non-Finnish European, 0.00043%; no homozygotes.

Submission:

Labcorp Genetics (formerly Invitae), Labcorp
Classification: Uncertain significance. Last evaluated: 2023-05-19. Review status: criteria provided, single submitter. Criteria: Invitae Variant Classification Sherloc (09022015). Collection method: clinical testing. Allele origin: germline.
Comment: Variants that disrupt the consensus splice site are a relatively common cause of aberrant splicing (PMID: 17576681, 9536098). Algorithms developed to predict the effect of sequence changes on RNA splicing suggest that this variant is not likely to affect RNA splicing. In summary, the available evidence is currently insufficient to determine the role of this variant in disease. Therefore, it has been classified as a Variant of Uncertain Significance. This variant is not present in population databases (gnomAD no frequency). This variant has not been reported in the literature in individuals affected with HMCN1-related conditions. This sequence change falls in intron 25 of the HMCN1 gene. It does not directly change the encoded amino acid sequence of the HMCN1 protein. It affects a nucleotide within the consensus splice site.

Literature cited by the submitters: PubMed 17576681; PubMed 9536098.

NM_031935.3(HMCN1):c.3874+6T>C

Gene: HMCN1 (hemicentin 1; plus strand). Cytogenetic location: 1q31.1.
Variant type: single nucleotide variant.
Coding change: c.3874+6T>C on transcript NM_031935.3 (MANE Select); 6 bases into the intron after coding-DNA position 3874, T replaced by C.
Molecular consequence: intron variant.
Genome position (GRCh38, 1-based): chr1:185,997,530, T>C. VCF-style: chr1-185997530-T-C. GRCh37 (hg19) VCF-style: chr1-185966662-T-C.
Identifiers: ClinVar variation 2978630 (VCV002978630.3), dbSNP rs2527430466, ClinGen allele CA2573974878.